The following is an entry in ClinVar:

NM_001197104.2(KMT2A):c.8600G>T (p.Gly2867Val)

Gene: KMT2A (lysine methyltransferase 2A; plus strand). Cytogenetic location: 11q23.3.
Variant type: single nucleotide variant.
Coding change: c.8600G>T on transcript NM_001197104.2 (MANE Select); coding-DNA position 8600, G replaced by T.
Protein change: p.Gly2867Val; replaces glycine 2867 with valine.
Molecular consequence: missense variant.
Genome position (GRCh38, 1-based): chr11:118,504,492, G>T. VCF-style: chr11-118504492-G-T. GRCh37 (hg19) VCF-style: chr11-118375207-G-T.
Other names: c.8591G>T, p.Gly2864Val (NM_005933.4); c.8600G>T (NM_001197104.1); short protein forms G2864V, G2867V.
Identifiers: ClinVar variation 1370905 (VCV001370905.7), dbSNP rs1826518263, ClinGen allele CA382814969.

ClinVar aggregate classification (germline): Uncertain significance. Review status: criteria provided, multiple submitters, no conflicts (2 of 4 stars). 2 submissions from 2 submitters: Uncertain significance (2). Last evaluated 2026-06-09.

Conditions:
Inborn genetic diseases. Identifiers: MedGen C0950123, MeSH D030342.

Allele frequency attached by ClinVar (database versions not stated): TOPMed below 0.00001.

Submissions (2):

Ambry Genetics
Classification: Uncertain significance for Inborn genetic diseases. Last evaluated: 2026-06-09. Review status: criteria provided, single submitter. Criteria: Ambry Variant Classification Scheme 2023. Collection method: clinical testing. Allele origin: germline.

Labcorp Genetics (formerly Invitae), Labcorp
Classification: Uncertain significance. Last evaluated: 2023-08-17. Review status: criteria provided, single submitter. Criteria: Invitae Variant Classification Sherloc (09022015). Collection method: clinical testing. Allele origin: germline.
Comment: This sequence change replaces glycine, which is neutral and non-polar, with valine, which is neutral and non-polar, at codon 2867 of the KMT2A protein (p.Gly2867Val). This variant is not present in population databases (gnomAD no frequency). In summary, the available evidence is currently insufficient to determine the role of this variant in disease. Therefore, it has been classified as a Variant of Uncertain Significance. Advanced modeling of protein sequence and biophysical properties (such as structural, functional, and spatial information, amino acid conservation, physicochemical variation, residue mobility, and thermodynamic stability) has been performed at Invitae for this missense variant, however the output from this modeling did not meet the statistical confidence thresholds required to predict the impact of this variant on KMT2A protein function. This variant has not been reported in the literature in individuals affected with KMT2A-related conditions. ClinVar contains an entry for this variant (Variation ID: 1370905).